The following is an entry in ClinVar:

ClinVar aggregate classification (germline): Uncertain significance (1 of 4 stars; one submission).

Submission:

Ambry Genetics
Classification: Uncertain significance. Last evaluated: 2021-12-03. Review status: criteria provided, single submitter. Criteria: Ambry Variant Classification Scheme 2023. Collection method: clinical testing. Allele origin: germline.
Comment: The p.F896V variant (also known as c.2686T>G), located in coding exon 1 of the MLH3 gene, results from a T to G substitution at nucleotide position 2686. The phenylalanine at codon 896 is replaced by valine, an amino acid with highly similar properties. This amino acid position is conserved. In addition, this alteration is predicted to be tolerated by in silico analysis. Since supporting evidence is limited at this time, the clinical significance of this alteration remains unclear.

NM_001040108.2(MLH3):c.2686T>G (p.Phe896Val)

Gene: MLH3 (mutL homolog 3; minus strand). Cytogenetic location: 14q24.3.
Variant type: single nucleotide variant.
Coding change: c.2686T>G on transcript NM_001040108.2 (MANE Select); coding-DNA position 2686, T replaced by G.
Protein change: p.Phe896Val; replaces phenylalanine 896 with valine.
Molecular consequence: missense variant.
Genome position (GRCh38, 1-based): chr14:75,046,970, A>C on the plus strand (T>G on the coding strand, the complement: MLH3 is on the minus strand). VCF-style: chr14-75046970-A-C. GRCh37 (hg19) VCF-style: chr14-75513673-A-C.
Other names: c.2686T>G, p.Phe896Val (NM_014381.3); short protein forms F896V.
Identifiers: ClinVar variation 1794734 (VCV001794734.2), dbSNP rs1566603523, ClinGen allele CA390439048.